The following is an entry in ClinVar:

ClinVar aggregate classification (germline): Conflicting classifications of pathogenicity. Review status: criteria provided, conflicting classifications (1 of 4 stars). 3 submissions from 3 submitters: Uncertain significance (2); Likely benign (1). Last evaluated 2025-07-07.

Conditions:
Focal segmental glomerulosclerosis 2 (FSGS2). Identifiers: Orphanet 656, MedGen C1858915, MONDO:0011390, OMIM 603965.

Allele frequency attached by ClinVar (database versions not stated): gnomAD 0.00001; TOPMed 0.00002; ExAC 0.00003; gnomAD exomes 0.00003 and 0.00006.
gnomAD v4.1: 17 of 1,613,838 alleles (0.0011%); highest among the groups gnomAD compares: Admixed American, 0.028%; no homozygotes.

Submissions (3):

Labcorp Genetics (formerly Invitae), Labcorp
Classification: Likely benign. Last evaluated: 2025-07-07. Review status: criteria provided, single submitter. Criteria: Invitae Variant Classification Sherloc (09022015). Collection method: clinical testing. Allele origin: germline.

Mayo Clinic Laboratories, Mayo Clinic
Classification: Uncertain significance. Last evaluated: 2024-06-13. Review status: criteria provided, single submitter. Criteria: ACMG Guidelines, 2015. Collection method: clinical testing. Allele origin: germline. Observed: 1 variant allele.
Comment: BP4

Fulgent Genetics
Classification: Uncertain significance for Focal segmental glomerulosclerosis 2. Last evaluated: 2024-02-29. Review status: criteria provided, single submitter. Criteria: ACMG Guidelines, 2015. Collection method: clinical testing. Allele origin: germline.

NM_004621.6(TRPC6):c.2732A>G (p.Glu911Gly)

Gene: TRPC6 (transient receptor potential cation channel subfamily C member 6; minus strand). Cytogenetic location: 11q22.1.
Variant type: single nucleotide variant.
Coding change: c.2732A>G on transcript NM_004621.6 (MANE Select); coding-DNA position 2732, A replaced by G.
Protein change: p.Glu911Gly; replaces glutamic acid 911 with glycine.
Molecular consequence: missense variant.
Genome position (GRCh38, 1-based): chr11:101,453,019, T>C on the plus strand (A>G on the coding strand, the complement: TRPC6 is on the minus strand). VCF-style: chr11-101453019-T-C. GRCh37 (hg19) VCF-style: chr11-101323750-T-C.
Other names: p.Glu911Gly; short protein forms E911G.
Identifiers: ClinVar variation 1399058 (VCV001399058.10), dbSNP rs745717503, ClinGen allele CA6244027.